The following is an entry in ClinVar:

NM_001009944.3(PKD1):c.6311A>G (p.Asp2104Gly)

Gene: PKD1 (polycystin 1, transient receptor potential channel interacting; minus strand). Cytogenetic location: 16p13.3.
Variant type: single nucleotide variant.
Coding change: c.6311A>G on transcript NM_001009944.3 (MANE Select); coding-DNA position 6311, A replaced by G.
Protein change: p.Asp2104Gly; replaces aspartic acid 2104 with glycine.
Molecular consequence: missense variant.
Genome position (GRCh38, 1-based): chr16:2,108,856, T>C on the plus strand (A>G on the coding strand, the complement: PKD1 is on the minus strand). VCF-style: chr16-2108856-T-C. GRCh37 (hg19) VCF-style: chr16-2158857-T-C.
Other names: c.6311A>G, p.Asp2104Gly (NM_000296.4); short protein forms D2104G.
Identifiers: ClinVar variation 3889259 (VCV003889259.2).

ClinVar aggregate classification (germline): Uncertain significance. Review status: criteria provided, multiple submitters, no conflicts (2 of 4 stars). 2 submissions from 2 submitters: Uncertain significance (2). Last evaluated 2026-08-23.

Conditions:
Inborn genetic diseases. Identifiers: MedGen C0950123, MeSH D030342.
PKD1-related disorder. Also called: PKD1-related condition.

gnomAD v4.1: 122 of 1,574,808 alleles (0.0077%); highest among the groups gnomAD compares: Non-Finnish European, 0.01%; no homozygotes.

Submissions (2):

PreventionGenetics, part of Exact Sciences
Classification: Uncertain significance for PKD1-related condition. Last evaluated: 2026-08-23. Review status: criteria provided, single submitter. Criteria: ACMG Guidelines, 2015. Collection method: clinical testing. Allele origin: germline.
Comment: The PKD1 c.6311A>G variant is predicted to result in the amino acid substitution p.Asp2104Gly. To our knowledge, this variant has not been reported in the literature. This variant is reported in 0.0064% of alleles in individuals of European (Non-Finnish) descent in gnomAD. At this time, the clinical significance of this variant is uncertain due to the absence of conclusive functional and genetic evidence.

Ambry Genetics
Classification: Uncertain significance for Inborn genetic diseases. Last evaluated: 2024-12-17. Review status: criteria provided, single submitter. Criteria: Ambry Variant Classification Scheme 2023. Collection method: clinical testing. Allele origin: germline.